The following continues an entry in ClinVar:

NM_000044.6(AR):c.2612C>T (p.Ala871Val)

Gene: AR. ClinVar aggregate classification (germline): Pathogenic/Likely pathogenic. Pathogenic (9); Likely pathogenic (2).

Submissions 9 to 12 of 12:

Genetic Services Laboratory, University of Chicago
Classification: Pathogenic. Last evaluated: 2021-12-03. Review status: criteria provided, single submitter. Criteria: ACMG Guidelines, 2015. Collection method: clinical testing. Allele origin: germline. Affected: yes.
Comment: DNA sequence analysis of the AR gene demonstrated a sequence change, c.2612C>T, in exon 8 that results in an amino acid change, p.Ala871Val. The p.Ala871Val change affects a moderately conserved amino acid residue located in the ligand binding domain of the AR protein that is known to be functional. In-silico pathogenicity prediction tools (SIFT, PolyPhen2, Align GVGD, REVEL) provide contradictory results for the p.Ala871Val substitution. This sequence change has been described in the gnomAD database in the heterozygous state in two individuals which corresponds to a population frequency of 0.0011% (dbSNP rs143040492). This pathogenic sequence change has previously been described in multiple individuals with AR-related disorders (PMID: 31219235, 8033918, 28261839, 20305676, 8723113). Additionally, other variants impacting this same amino acid residue, p.Ala871Gly and p.Ala871Glu, have been reported in individuals with AR-related disorders (PMID: 7981687, 9332480). This sequence change is the likely cause of this individual's phenotype, however functional studies have not been performed to prove this conclusively.

CeGaT Center for Human Genetics Tuebingen
Classification: Pathogenic. Last evaluated: 2020-04-01. Review status: criteria provided, single submitter. Criteria: CeGaT Center For Human Genetics Tuebingen Variant Classification Criteria Version 2. Collection method: clinical testing. Allele origin: germline. Affected: yes. Observed: 2 variant alleles.

Juno Genomics, Hangzhou Juno Genomics, Inc
Classification: Likely pathogenic for Kennedy disease; Androgen resistance syndrome; Partial androgen insensitivity syndrome; Hypospadias 1, X-linked. Review status: criteria provided, single submitter. Criteria: ACMG Guidelines, 2015. Collection method: clinical testing. Allele origin: germline.
Comment: Absent from controls (or at extremely low frequency if recessive) in Genome Aggregation Database.;The prevalence of the variant in affected individuals is significantly increased compared to the prevalence in controls.;Patient's phenotype or family history is highly specific for a disease with a single genetic etiology.;Located in a mutational hot spot and/or critical and well-established functional domain without benign variation.

Clinical Molecular Genetics Laboratory, Johns Hopkins All Children's Hospital
Classification: Pathogenic for Androgen resistance syndrome. Last evaluated: 2003-09-05. Review status: no assertion criteria provided. Collection method: clinical testing. Allele origin: germline. Affected: yes. Not counted in ClinVar's aggregate classification.

Literature cited by the submitters: PubMed 8033918 (cited by 3 submitters); PubMed 8723113 (cited by Labcorp Genetics (formerly Invitae), Labcorp and Women's Health and Genetics/Laboratory Corporation of America, LabCorp); PubMed 20305676 (cited by Labcorp Genetics (formerly Invitae), Labcorp and Women's Health and Genetics/Laboratory Corporation of America, LabCorp); PubMed 28261839 (cited by Labcorp Genetics (formerly Invitae), Labcorp and Victorian Clinical Genetics Services, Murdoch Childrens Research Institute); PubMed 7981687 (cited by Labcorp Genetics (formerly Invitae), Labcorp); PubMed 9332480 (cited by Labcorp Genetics (formerly Invitae), Labcorp); PubMed 27051040 (cited by Victorian Clinical Genetics Services, Murdoch Childrens Research Institute); PubMed 34689141 (cited by Victorian Clinical Genetics Services, Murdoch Childrens Research Institute and Women's Health and Genetics/Laboratory Corporation of America, LabCorp); PubMed 31219235 (cited by Women's Health and Genetics/Laboratory Corporation of America, LabCorp).